The following is an entry in ClinVar:

NM_000092.5(COL4A4):c.2969G>C (p.Gly990Ala)

Gene: COL4A4 (collagen type IV alpha 4 chain; minus strand). Cytogenetic location: 2q36.3.
Variant type: single nucleotide variant.
Coding change: c.2969G>C on transcript NM_000092.5 (MANE Select); coding-DNA position 2969, G replaced by C.
Protein change: p.Gly990Ala; replaces glycine 990 with alanine.
Molecular consequence: missense variant.
Genome position (GRCh38, 1-based): chr2:227,051,158, C>G on the plus strand (G>C on the coding strand, the complement: COL4A4 is on the minus strand). VCF-style: chr2-227051158-C-G. GRCh37 (hg19) VCF-style: chr2-227915874-C-G.
Other names: short protein forms G990A.
Identifiers: ClinVar variation 3907209 (VCV003907209.2).

ClinVar aggregate classification (germline): Conflicting classifications of pathogenicity. Review status: criteria provided, conflicting classifications (1 of 4 stars). 2 submissions from 2 submitters: Likely pathogenic (1); Uncertain significance (1). Last evaluated 2026-07-01.

gnomAD v4.1: 4 of 1,614,096 alleles (0.00025%); highest among the groups gnomAD compares: South Asian, 0.0044%; no homozygotes.

Submissions (2):

CeGaT Center for Human Genetics Tuebingen
Classification: Likely pathogenic. Last evaluated: 2026-07-01. Review status: criteria provided, single submitter. Criteria: CeGaT Center For Human Genetics Tuebingen Variant Classification Criteria Version 2. Collection method: clinical testing. Allele origin: germline. Affected: yes. Observed: 1 variant allele.
Comment: COL4A4: PM1:Strong, PM2

Women's Health and Genetics/Laboratory Corporation of America, LabCorp
Classification: Uncertain significance. Last evaluated: 2025-06-11. Review status: criteria provided, single submitter. Criteria: LabCorp Variant Classification Summary - May 2015. Collection method: clinical testing. Allele origin: germline.
Comment: Variant summary: COL4A4 c.2969G>C (p.Gly990Ala) results in a non-conservative amino acid change in the encoded protein sequence. Algorithms developed to predict the effect of missense changes on protein structure and function all suggest that this variant is likely to be disruptive. Several computational tools predict a significant impact on normal splicing: One predicts the variant abolishes a 3' acceptor site. Two predict the variant weakens a 3' acceptor site. One predicts the variant has no significant impact on splicing. However, these predictions have yet to be confirmed by functional studies. The variant allele was found at a frequency of 8e-06 in 249330 control chromosomes. The available data on variant occurrences in the general population are insufficient to allow any conclusion about variant significance. To our knowledge, no occurrence of c.2969G>C in individuals affected with Alport Syndrome, Autosomal Recessive and no experimental evidence demonstrating its impact on protein function have been reported. No submitters have cited clinical-significance assessments for this variant to ClinVar. Based on the evidence outlined above, the variant was classified as uncertain significance.